The following is an entry in ClinVar:

ClinVar aggregate classification (germline): Uncertain significance (1 of 4 stars; one submission).

Conditions:
Inborn genetic diseases. Identifiers: MedGen C0950123, MeSH D030342.

gnomAD v4.1: 2 of 1,209,750 alleles (0.00017%); highest among the groups gnomAD compares: Admixed American, 0.0043%; no homozygotes.

Submission:

Ambry Genetics
Classification: Uncertain significance for Inborn genetic diseases. Last evaluated: 2026-07-08. Review status: criteria provided, single submitter. Criteria: Ambry Variant Classification Scheme 2023. Collection method: clinical testing. Allele origin: germline.
Comment: The c.3535C>G (p.Q1179E) alteration is located in exon 32 (coding exon 32) of the PHKA2 gene. This alteration results from a C to G substitution at nucleotide position 3535, causing the glutamine (Q) at amino acid position 1179 to be replaced by a glutamic acid (E). Based on data from gnomAD, the G allele has an overall frequency of 0.002% (3/183112) total alleles studied. The highest observed frequency was 0.007% (2/27415) of Latino alleles. Based on insufficient or conflicting evidence, the clinical significance of this alteration remains unclear.

NM_000292.3(PHKA2):c.3535C>G (p.Gln1179Glu)

Genes: PHKA2 (phosphorylase kinase regulatory subunit alpha 2; minus strand), PHKA2-AS1 (PHKA2 antisense RNA 1; plus strand). Cytogenetic location: Xp22.13.
Variant type: single nucleotide variant.
Coding change: c.3535C>G on transcript NM_000292.3 (MANE Select); coding-DNA position 3535, C replaced by G.
Protein change: p.Gln1179Glu; replaces glutamine 1179 with glutamic acid.
Molecular consequence: missense variant. On other transcripts: non-coding transcript variant (1).
Genome position (GRCh38, 1-based): chrX:18,894,206, G>C on the plus strand (C>G on the coding strand, the complement: PHKA2 is on the minus strand). VCF-style: chrX-18894206-G-C. GRCh37 (hg19) VCF-style: chrX-18912324-G-C.
Other names: c.3481C>G, p.Gln1161Glu (NM_001440800.1); c.3451C>G, p.Gln1151Glu (NM_001440801.1); c.3436C>G, p.Gln1146Glu (NM_001440802.1); c.3382C>G, p.Gln1128Glu (NM_001440803.1); c.3352C>G, p.Gln1118Glu (NM_001440804.1); c.3559C>G, p.Gln1187Glu (NM_001440805.1); short protein forms Q1151E, Q1128E, Q1146E, Q1187E, Q1118E, Q1161E, Q1179E.
Identifiers: ClinVar variation 5026504 (VCV005026504.1).
Genomic context (GRCh38, chrX:18,894,206, plus strand): 5'-GAATCTCCAGCCTCAACAGAGATAAATGCCAGCCAACCCAGCTCCCTGGCACCCCCACCT[G>C]GTCCTGCAAGAACAGCTGACTGGCCATCTGCACGATCTGGTCCACGTGGATGATGCCCCC-3'
Protein context (NP_000283.1, residues 1169-1189): QMASQLFLQD[Gln1179Glu]VSIGAMDTLE